The following is an entry in ClinVar:

ClinVar aggregate classification (germline): Uncertain significance. Review status: criteria provided, multiple submitters, no conflicts (2 of 4 stars). 2 submissions from 2 submitters: Uncertain significance (2). Last evaluated 2022-06-25.

Conditions:
Glycogen storage disease, type II (IOPD). Also called: CARDIOMEGALIA GLYCOGENICA DIFFUSA; GLYCOGENOSIS, GENERALIZED, CARDIAC FORM; GSD II; POMPE DISEASE, INFANTILE-ONSET; GLYCOGEN STORAGE DISEASE II, INFANTILE-ONSET; ACID ALPHA-GLUCOSIDASE DEFICIENCY, INFANTILE-ONSET. Identifiers: Orphanet 365, MedGen C0017921, MONDO:0009290, OMIM 232300.

Allele frequency attached by ClinVar (database versions not stated): gnomAD exomes below 0.00001; gnomAD 0.00003 and 0.00004; TOPMed 0.00004.
gnomAD v4.1: 11 of 1,611,406 alleles (0.00068%); highest among the groups gnomAD compares: African/African-American, 0.0053%; no homozygotes.

Submissions (2):

Labcorp Genetics (formerly Invitae), Labcorp
Classification: Uncertain significance for Glycogen storage disease, type II. Last evaluated: 2022-06-25. Review status: criteria provided, single submitter. Criteria: Invitae Variant Classification Sherloc (09022015). Collection method: clinical testing. Allele origin: germline.
Comment: This sequence change replaces arginine, which is basic and polar, with tryptophan, which is neutral and slightly polar, at codon 66 of the GAA protein (p.Arg66Trp). The frequency data for this variant in the population databases is considered unreliable, as metrics indicate poor data quality at this position in the gnomAD database. This variant has not been reported in the literature in individuals affected with GAA-related conditions. ClinVar contains an entry for this variant (Variation ID: 891116). Advanced modeling of protein sequence and biophysical properties (such as structural, functional, and spatial information, amino acid conservation, physicochemical variation, residue mobility, and thermodynamic stability) performed at Invitae indicates that this missense variant is not expected to disrupt GAA protein function. In summary, the available evidence is currently insufficient to determine the role of this variant in disease. Therefore, it has been classified as a Variant of Uncertain Significance.

Illumina Laboratory Services, Illumina
Classification: Uncertain significance for Glycogen storage disease, type II. Last evaluated: 2018-01-13. Review status: criteria provided, single submitter. Criteria: ICSL Variant Classification Criteria 13 December 2019. Collection method: clinical testing. Allele origin: germline.

NM_000152.5(GAA):c.196C>T (p.Arg66Trp)

Gene: GAA (alpha glucosidase; plus strand). Cytogenetic location: 17q25.3.
Variant type: single nucleotide variant.
Coding change: c.196C>T on transcript NM_000152.5 (MANE Select); coding-DNA position 196, C replaced by T.
Protein change: p.Arg66Trp; replaces arginine 66 with tryptophan.
Molecular consequence: missense variant.
Genome position (GRCh38, 1-based): chr17:80,104,782, C>T. VCF-style: chr17-80104782-C-T. GRCh37 (hg19) VCF-style: chr17-78078581-C-T.
Other names: c.196C>T, p.Arg66Trp (NM_001079803.3, NM_001079804.3); short protein forms R66W.
Identifiers: ClinVar variation 891116 (VCV000891116.5), dbSNP rs371971763, ClinGen allele CA294886701.